The following is an entry in ClinVar:

ClinVar aggregate classification (germline): Uncertain significance (1 of 4 stars; one submission).

Allele frequency attached by ClinVar (database versions not stated): ExAC 0.00001; gnomAD exomes 0.00001; TOPMed 0.00001.
gnomAD v4.1: 3 of 1,613,698 alleles (0.00019%); highest among the groups gnomAD compares: Non-Finnish European, 0.00025%; no homozygotes.

Submission:

Labcorp Genetics (formerly Invitae), Labcorp
Classification: Uncertain significance. Last evaluated: 2021-12-30. Review status: criteria provided, single submitter. Criteria: Invitae Variant Classification Sherloc (09022015). Collection method: clinical testing. Allele origin: germline.
Comment: In summary, the available evidence is currently insufficient to determine the role of this variant in disease. Therefore, it has been classified as a Variant of Uncertain Significance. Algorithms developed to predict the effect of missense changes on protein structure and function are either unavailable or do not agree on the potential impact of this missense change (SIFT: "Deleterious"; PolyPhen-2: "Benign"; Align-GVGD: "Class C0"). This variant has not been reported in the literature in individuals affected with PLEKHM2-related conditions. This variant is present in population databases (rs749786811, gnomAD 0.002%). This sequence change replaces arginine, which is basic and polar, with histidine, which is basic and polar, at codon 181 of the PLEKHM2 protein (p.Arg181His).

NM_015164.4(PLEKHM2):c.542G>A (p.Arg181His)

Gene: PLEKHM2 (pleckstrin homology and RUN domain containing M2; plus strand). Cytogenetic location: 1p36.21.
Variant type: single nucleotide variant.
Coding change: c.542G>A on transcript NM_015164.4 (MANE Select); coding-DNA position 542, G replaced by A.
Protein change: p.Arg181His; replaces arginine 181 with histidine.
Molecular consequence: missense variant.
Genome position (GRCh38, 1-based): chr1:15,719,810, G>A. VCF-style: chr1-15719810-G-A. GRCh37 (hg19) VCF-style: chr1-16046305-G-A.
Other names: c.542G>A, p.Arg181His (NM_001410755.1); short protein forms R181H.
Identifiers: ClinVar variation 1984338 (VCV001984338.4), dbSNP rs749786811, ClinGen allele CA616715.
Genomic context (GRCh38, chr1:15,719,810, plus strand): 5'-ACCTGGCCCCCTACATGCCCGACTACTACAAACCTCAGTACCTGCTGGACTTTGAAGACC[G>A]CCTTCCCAGCTCGGTCCACGGCTCAGACAGTCTGTCCCTCAACTCTTTCAACTCCGTCAC-3'
Protein context (NP_055979.2, residues 171-191): KPQYLLDFED[Arg181His]LPSSVHGSDS